The following is an entry in ClinVar:

NM_001105206.3(LAMA4):c.1651C>T (p.Leu551Phe)

Gene: LAMA4 (laminin subunit alpha 4; minus strand). Cytogenetic location: 6q21.
Variant type: single nucleotide variant.
Coding change: c.1651C>T on transcript NM_001105206.3 (MANE Select); coding-DNA position 1651, C replaced by T.
Protein change: p.Leu551Phe; replaces leucine 551 with phenylalanine.
Molecular consequence: missense variant.
Genome position (GRCh38, 1-based): chr6:112,165,177, G>A on the plus strand (C>T on the coding strand, the complement: LAMA4 is on the minus strand). VCF-style: chr6-112165177-G-A. GRCh37 (hg19) VCF-style: chr6-112486379-G-A.
Other names: c.1630C>T, p.Leu544Phe (NM_001105207.3, NM_002290.5); short protein forms L551F, L544F.
Identifiers: ClinVar variation 1776820 (VCV001776820.2), dbSNP rs782145143, ClinGen allele CA3965717.

ClinVar aggregate classification (germline): Uncertain significance (1 of 4 stars; one submission).

Conditions:
Cardiovascular phenotype. Identifiers: MedGen CN230736.

Allele frequency attached by ClinVar (database versions not stated): gnomAD 0.00001; ExAC 0.00002.
gnomAD v4.1: 6 of 1,605,118 alleles (0.00037%); highest among the groups gnomAD compares: Non-Finnish European, 0.000085%; no homozygotes.

Submission:

Ambry Genetics
Classification: Uncertain significance for Cardiovascular phenotype. Last evaluated: 2022-05-27. Review status: criteria provided, single submitter. Criteria: Ambry Variant Classification Scheme 2023. Collection method: clinical testing. Allele origin: germline.
Comment: The p.L544F variant (also known as c.1630C>T), located in coding exon 12 of the LAMA4 gene, results from a C to T substitution at nucleotide position 1630. The leucine at codon 544 is replaced by phenylalanine, an amino acid with highly similar properties. This amino acid position is conserved. In addition, this alteration is predicted to be tolerated by in silico analysis. Since supporting evidence is limited at this time, the clinical significance of this alteration remains unclear.